The following is an entry in ClinVar:

ClinVar aggregate classification (germline): Uncertain significance (1 of 4 stars; one submission).

Allele frequency attached by ClinVar (database versions not stated): TOPMed below 0.00001.

Submission:

Ambry Genetics
Classification: Uncertain significance. Last evaluated: 2022-06-02. Review status: criteria provided, single submitter. Criteria: Ambry Variant Classification Scheme 2023. Collection method: clinical testing. Allele origin: germline.
Comment: The p.F385L variant (also known as c.1153T>C), located in coding exon 9 of the RECQL gene, results from a T to C substitution at nucleotide position 1153. The phenylalanine at codon 385 is replaced by leucine, an amino acid with highly similar properties. This amino acid position is conserved. In addition, this alteration is predicted to be deleterious by in silico analysis. Since supporting evidence is limited at this time, the clinical significance of this alteration remains unclear.

NM_002907.4(RECQL):c.1153T>C (p.Phe385Leu)

Gene: RECQL (RecQ like helicase; minus strand). Cytogenetic location: 12p12.1.
Variant type: single nucleotide variant.
Coding change: c.1153T>C on transcript NM_002907.4 (MANE Select); coding-DNA position 1153, T replaced by C.
Protein change: p.Phe385Leu; replaces phenylalanine 385 with leucine.
Molecular consequence: missense variant.
Genome position (GRCh38, 1-based): chr12:21,475,531, A>G on the plus strand (T>C on the coding strand, the complement: RECQL is on the minus strand). VCF-style: chr12-21475531-A-G. GRCh37 (hg19) VCF-style: chr12-21628465-A-G.
Other names: c.1153T>C, p.Phe385Leu (NM_032941.3); short protein forms F385L.
Identifiers: ClinVar variation 1734761 (VCV001734761.2), dbSNP rs1943067921, ClinGen allele CA384119803.